The following is an entry in ClinVar:

ClinVar aggregate classification (germline): Uncertain significance. Review status: criteria provided, multiple submitters, no conflicts (2 of 4 stars). 2 submissions from 2 submitters: Uncertain significance (2). Last evaluated 2025-11-25.

Conditions:
Cardiovascular phenotype. Identifiers: MedGen CN230736.
Progressive familial heart block type IB (PFHB1B). Identifiers: Orphanet 871, MedGen C1970298, MONDO:0011474, OMIM 604559.

gnomAD v4.1: 1 of 1,614,176 alleles (0.000062%); highest among the groups gnomAD compares: Non-Finnish European, 0.000085%; no homozygotes.

Submissions (2):

Labcorp Genetics (formerly Invitae), Labcorp
Classification: Uncertain significance for Progressive familial heart block type IB. Last evaluated: 2025-11-25. Review status: criteria provided, single submitter. Criteria: Invitae Variant Classification Sherloc (09022015). Collection method: clinical testing. Allele origin: germline.
Comment: This sequence change replaces valine, which is neutral and non-polar, with methionine, which is neutral and non-polar, at codon 168 of the TRPM4 protein (p.Val168Met). This variant is present in population databases (rs775979097, gnomAD 0.0009%). This variant has not been reported in the literature in individuals affected with TRPM4-related conditions. ClinVar contains an entry for this variant (Variation ID: 3811060). An algorithm developed to predict the effect of missense changes on protein structure and function (PolyPhen-2) suggests that this variant is likely to be disruptive. In summary, the available evidence is currently insufficient to determine the role of this variant in disease. Therefore, it has been classified as a Variant of Uncertain Significance.

Ambry Genetics
Classification: Uncertain significance for Cardiovascular phenotype. Last evaluated: 2025-03-03. Review status: criteria provided, single submitter. Criteria: Ambry Variant Classification Scheme 2023. Collection method: clinical testing. Allele origin: germline.

NM_017636.4(TRPM4):c.502G>A (p.Val168Met)

Gene: TRPM4 (transient receptor potential cation channel subfamily M member 4; plus strand). Cytogenetic location: 19q13.33.
Variant type: single nucleotide variant.
Coding change: c.502G>A on transcript NM_017636.4 (MANE Select); coding-DNA position 502, G replaced by A.
Protein change: p.Val168Met; replaces valine 168 with methionine.
Molecular consequence: missense variant. On other transcripts: 5 prime UTR variant (2), intron variant (2).
Genome position (GRCh38, 1-based): chr19:49,168,313, G>A. VCF-style: chr19-49168313-G-A. GRCh37 (hg19) VCF-style: chr19-49671570-G-A.
Other names: c.502G>A, p.Val168Met (NM_001195227.2); c.-1052G>A (NM_001321282.2); c.-21G>A (NM_001321283.2); c.268-240G>A (NM_001321281.2); c.-237-240G>A (NM_001321285.2); short protein forms V168M.
Identifiers: ClinVar variation 3811060 (VCV003811060.2).
Genomic context (GRCh38, chr19:49,168,313, plus strand): 5'-TGTGTAGGAGCCTGGATTGTCACTGGGGGTCTGCACACGGGCATCGGCCGGCATGTTGGT[G>A]TGGCTGTACGGGACCATCAGATGGCCAGCACTGGGGGCACCAAGGTGGTGGCCATGGGTG-3'
Protein context (NP_060106.2, residues 158-178): LHTGIGRHVG[Val168Met]AVRDHQMAST